The following is an entry in ClinVar:

NM_001257096.2(PAX1):c.932G>A (p.Ser311Asn)

Gene: PAX1 (paired box 1; plus strand). Cytogenetic location: 20p11.22.
Variant type: single nucleotide variant.
Coding change: c.932G>A on transcript NM_001257096.2 (MANE Select); coding-DNA position 932, G replaced by A.
Protein change: p.Ser311Asn; replaces serine 311 with asparagine.
Molecular consequence: missense variant.
Genome position (GRCh38, 1-based): chr20:21,708,573, G>A. VCF-style: chr20-21708573-G-A. GRCh37 (hg19) VCF-style: chr20-21689211-G-A.
Other names: c.932G>A, p.Ser311Asn (NM_006192.5); c.932G>A (NM_006192.3); short protein forms S311N.
Identifiers: ClinVar variation 1502242 (VCV001502242.7), dbSNP rs1465696001, ClinGen allele CA408499020.
Genomic context (GRCh38, chr20:21,708,573, plus strand): 5'-GGCAGATTCGGAGGCACCTTTTAATCCGTCCTCTCTCTCCTGCAGGGGCCCTGGCTGGGA[G>A]CGAAGGCACCGCTTACTCTCCCAAGATGGAAGACTGGGCCGGCGTGAACCGCACGGCCTT-3'
Protein context (NP_001244025.1, residues 301-321): FMEQTGALAG[Ser311Asn]EGTAYSPKME

ClinVar aggregate classification (germline): Uncertain significance. Review status: criteria provided, multiple submitters, no conflicts (2 of 4 stars). 2 submissions from 2 submitters: Uncertain significance (2). Last evaluated 2025-08-02.

Conditions:
Inborn genetic diseases. Identifiers: MedGen C0950123, MeSH D030342.

Allele frequency attached by ClinVar (database versions not stated): gnomAD exomes 0.00001; TOPMed 0.00001.
gnomAD v4.1: 4 of 1,613,784 alleles (0.00025%); highest among the groups gnomAD compares: Admixed American, 0.005%; no homozygotes.

Submissions (2):

Ambry Genetics
Classification: Uncertain significance for Inborn genetic diseases. Last evaluated: 2025-08-02. Review status: criteria provided, single submitter. Criteria: Ambry Variant Classification Scheme 2023. Collection method: clinical testing. Allele origin: germline.

Labcorp Genetics (formerly Invitae), Labcorp
Classification: Uncertain significance. Last evaluated: 2022-03-19. Review status: criteria provided, single submitter. Criteria: Invitae Variant Classification Sherloc (09022015). Collection method: clinical testing. Allele origin: germline.
Comment: This sequence change replaces serine, which is neutral and polar, with asparagine, which is neutral and polar, at codon 311 of the PAX1 protein (p.Ser311Asn). This variant is present in population databases (no rsID available, gnomAD 0.006%). This variant has not been reported in the literature in individuals affected with PAX1-related conditions. Algorithms developed to predict the effect of missense changes on protein structure and function are either unavailable or do not agree on the potential impact of this missense change (SIFT: "Deleterious"; PolyPhen-2: "Benign"; Align-GVGD: "Class C0"). In summary, the available evidence is currently insufficient to determine the role of this variant in disease. Therefore, it has been classified as a Variant of Uncertain Significance.